The following is an entry in ClinVar:

NM_001458.5(FLNC):c.7010T>G (p.Ile2337Ser)

Genes: FLNC (filamin C; plus strand), FLNC-AS1 (FLNC antisense RNA 1; minus strand). Cytogenetic location: 7q32.1.
Variant type: single nucleotide variant.
Coding change: c.7010T>G on transcript NM_001458.5 (MANE Select); coding-DNA position 7010, T replaced by G.
Protein change: p.Ile2337Ser; replaces isoleucine 2337 with serine.
Molecular consequence: missense variant.
Genome position (GRCh38, 1-based): chr7:128,854,787, T>G. VCF-style: chr7-128854787-T-G. GRCh37 (hg19) VCF-style: chr7-128494841-T-G.
Other names: c.6911T>G, p.Ile2304Ser (NM_001127487.2); short protein forms I2304S, I2337S.
Identifiers: ClinVar variation 4871480 (VCV004871480.2).

ClinVar aggregate classification (germline): Uncertain significance (1 of 4 stars; one submission).

Conditions:
Cardiovascular phenotype. Identifiers: MedGen CN230736.

Submission:

Ambry Genetics
Classification: Uncertain significance for Cardiovascular phenotype. Last evaluated: 2026-06-18. Review status: criteria provided, single submitter. Criteria: Ambry Variant Classification Scheme 2023. Collection method: clinical testing. Allele origin: germline.
Comment: The c.7010T>G (p.I2337S) alteration is located in exon 42 (coding exon 42) of the FLNC gene. This alteration results from a T to G substitution at nucleotide position 7010, causing the isoleucine (I) at amino acid position 2337 to be replaced by a serine (S). This variant was not reported in population-based cohorts in the Genome Aggregation Database (gnomAD). This amino acid position is highly conserved in available vertebrate species. This alteration is predicted to be deleterious by in silico analysis. Based on insufficient or conflicting evidence, the clinical significance of this alteration remains unclear.